The following is an entry in ClinVar:

NM_024301.5(FKRP):c.286A>C (p.Ile96Leu)

Gene: FKRP (fukutin related protein; plus strand). Cytogenetic location: 19q13.32.
Variant type: single nucleotide variant.
Coding change: c.286A>C on transcript NM_024301.5 (MANE Select); coding-DNA position 286, A replaced by C.
Protein change: p.Ile96Leu; replaces isoleucine 96 with leucine.
Molecular consequence: missense variant.
Genome position (GRCh38, 1-based): chr19:46,755,736, A>C. VCF-style: chr19-46755736-A-C. GRCh37 (hg19) VCF-style: chr19-47258993-A-C.
Other names: c.286A>C, p.Ile96Leu (NM_001039885.3); short protein forms I96L.
Identifiers: ClinVar variation 4824897 (VCV004824897.1).

ClinVar aggregate classification (germline): Uncertain significance (1 of 4 stars; one submission).

Conditions:
Cardiovascular phenotype. Identifiers: MedGen CN230736.

Submission:

Ambry Genetics
Classification: Uncertain significance for Cardiovascular phenotype. Last evaluated: 2026-02-15. Review status: criteria provided, single submitter. Criteria: Ambry Variant Classification Scheme 2023. Collection method: clinical testing. Allele origin: germline.
Comment: The p.I96L variant (also known as c.286A>C), located in coding exon 1 of the FKRP gene, results from an A to C substitution at nucleotide position 286. The isoleucine at codon 96 is replaced by leucine, an amino acid with highly similar properties. This amino acid position is conserved. In addition, this alteration is predicted to be tolerated by in silico analysis. Based on the available evidence, the clinical significance of this variant remains unclear.